The following is an entry in ClinVar:

ClinVar aggregate classification (germline): Uncertain significance. Review status: criteria provided, multiple submitters, no conflicts (2 of 4 stars). 7 submissions from 7 submitters: Uncertain significance (6). 1 of the submissions does not count toward it. Last evaluated 2025-12-01.

Conditions:
Dyskeratosis congenita, autosomal dominant 2. Identifiers: MedGen C3151443, MONDO:0013521, OMIM 613989.
Idiopathic Pulmonary Fibrosis. Also called: Idiopathic fibrosing alveolitis, chronic form; idiopathic fibrosing alveolitis. Identifiers: Orphanet 2032, MedGen C1800706, MeSH D054990, MONDO:0800504.
TERT-related disorder. Also called: TERT-related disorders; TERT-related condition.
Interstitial lung disease 2 (ILD2). Also called: Familial idiopathic pulmonary fibrosis; FIBROCYSTIC PULMONARY DYSPLASIA; FIBROSING ALVEOLITIS, CRYPTOGENIC. Identifiers: Orphanet 2032, Orphanet 79126, MedGen C5561926, MONDO:0800497, OMIM 178500, MONDO:0800029.
Melanoma, cutaneous malignant, susceptibility to, 9. Also called: Cutaneous malignant melanoma 9. Identifiers: Orphanet 618, MedGen C3554574, MONDO:0014056, OMIM 615134.
Aplastic anemia. Identifiers: Orphanet 88, MedGen C0002874, MONDO:0015909, OMIM 609135, HP:0001915, Orphanet 182040.
Dyskeratosis congenita, autosomal dominant 1 (DKCA1). Also called: Dyskeratosis congenita Scoggins type. Identifiers: Orphanet 1775, MedGen C4551974, MONDO:0007485, OMIM 127550. Inheritance: Variable.
Acute myeloid leukemia (AML). Also called: Leukemia, acute myeloid, somatic; Leukemia, acute myelogenous, somatic; Acute myeloid leukemia, adult; AML adult; Acute non-lymphocytic leukemia; Acute granulocytic leukemia. Identifiers: Orphanet 519, MedGen C0023467, MeSH D015470, MONDO:0018874, OMIM 601626, HP:0004808. Disease mechanism: Constitutively activated FLT3.
Pulmonary fibrosis and/or bone marrow failure, Telomere-related, 1. Also called: PULMONARY FIBROSIS AND/OR BONE MARROW FAILURE SYNDROME, TELOMERE-RELATED, 1. Identifiers: Orphanet 88, MedGen C3553617, MONDO:0013878, OMIM 614742.
Dyskeratosis congenita. Identifiers: Orphanet 1775, MedGen C0265965, MONDO:0015780.

Allele frequency attached by ClinVar (database versions not stated): gnomAD 0.00004 and 0.00005; TOPMed 0.00004; gnomAD exomes 0.00005 and 0.00008; ExAC 0.00010; ESP Exome Variant Server 0.00016.
gnomAD v4.1: 112 of 1,553,704 alleles (0.0072%); highest among the groups gnomAD compares: Non-Finnish European, 0.009%; no homozygotes.

Submissions (7):

Labcorp Genetics (formerly Invitae), Labcorp
Classification: Uncertain significance for Dyskeratosis congenita, autosomal dominant 2; Idiopathic Pulmonary Fibrosis. Last evaluated: 2025-12-01. Review status: criteria provided, single submitter. Criteria: Invitae Variant Classification Sherloc (09022015). Collection method: clinical testing. Allele origin: germline.
Comment: This sequence change replaces proline, which is neutral and non-polar, with serine, which is neutral and polar, at codon 370 of the TERT protein (p.Pro370Ser). This variant is present in population databases (rs143148040, gnomAD 0.01%). This missense change has been observed in individual(s) with melanoma (PMID: 29036293). ClinVar contains an entry for this variant (Variation ID: 410678). Invitae Evidence Modeling of protein sequence and biophysical properties (such as structural, functional, and spatial information, amino acid conservation, physicochemical variation, residue mobility, and thermodynamic stability) has been performed for this missense variant. However, the output from this modeling did not meet the statistical confidence thresholds required to predict the impact of this variant on TERT protein function. In summary, the available evidence is currently insufficient to determine the role of this variant in disease. Therefore, it has been classified as a Variant of Uncertain Significance.

Ambry Genetics
Classification: Uncertain significance for Dyskeratosis congenita. Last evaluated: 2024-12-09. Review status: criteria provided, single submitter. Criteria: Ambry Variant Classification Scheme 2023. Collection method: clinical testing. Allele origin: germline.
Comment: The p.P370S variant (also known as c.1108C>T), located in coding exon 2 of the TERT gene, results from a C to T substitution at nucleotide position 1108. The proline at codon 370 is replaced by serine, an amino acid with similar properties. This amino acid position is not well conserved in available vertebrate species. In addition, the in silico prediction for this alteration is inconclusive. Based on the available evidence, the clinical significance of this variant remains unclear.

St. Jude Molecular Pathology, St. Jude Children's Research Hospital
Classification: Uncertain significance for Dyskeratosis congenita, autosomal dominant 2. Last evaluated: 2024-07-03. Review status: criteria provided, single submitter. Criteria: St. Jude Assertion Criteria 2020. Collection method: clinical testing. Allele origin: germline.
Comment: The TERT c.1108C>T (p.Pro370Ser) missense change has a maximum subpopulation frequency of 0.010% in gnomAD v2.1.1. The in silico tool REVEL predicts a benign effect on protein function. This variant has been reported in one individual with melanoma (PMID: 29036293). To our knowledge, this variant has not been reported in individuals with clinical features of dyskeratosis congenita. In summary, the evidence currently available is insufficient to determine the clinical significance of this variant. It has therefore been classified as of uncertain significance.

GeneDx
Classification: Uncertain significance. Last evaluated: 2023-09-06. Review status: criteria provided, single submitter. Criteria: GeneDx Variant Classification Process June 2021. Collection method: clinical testing. Allele origin: germline. Affected: yes.
Comment: In silico analysis supports that this missense variant does not alter protein structure/function; Observed in a single affected individual within a family with cutaneous malignant melanoma and not observed in other affected family members (Goldstein et al., 2017); This variant is associated with the following publications: (PMID: 29036293)

Fulgent Genetics
Classification: Uncertain significance for Dyskeratosis congenita, autosomal dominant 1; Interstitial lung disease 2; Acute myeloid leukemia; Aplastic anemia; Dyskeratosis congenita, autosomal dominant 2; Pulmonary fibrosis and/or bone marrow failure, Telomere-related, 1; Melanoma, cutaneous malignant, susceptibility to, 9. Last evaluated: 2021-10-26. Review status: criteria provided, single submitter. Criteria: ACMG Guidelines, 2015. Collection method: clinical testing. Allele origin: unknown.

Genetic Services Laboratory, University of Chicago
Classification: Uncertain significance. Last evaluated: 2020-04-22. Review status: criteria provided, single submitter. Criteria: ACMG Guidelines, 2015. Collection method: clinical testing. Allele origin: germline. Affected: no.
Comment: DNA sequence analysis of the TERT gene demonstrated a sequence change, c.1108C>T, in exon 2 that results in an amino acid change, p.Pro370Ser. This sequence change has been previously described in a patient with with cutaneous malignant melanoma but no additional details were provided (PMID: 29036293). This sequence change has been described in the gnomAD database with a low population frequency of 0.0053% (dbSNP rs143148040). The p.Pro370Ser change affects a moderately conserved amino acid residue located in a domain of the TERT protein that is known to be functional. In-silico pathogenicity prediction tools (SIFT, PolyPhen2, Align GVGD, REVEL) provide contradictory results for the p.Pro370Ser substitution. Due to these contrasting evidences and the lack of functional studies, the clinical significance of the p.Pro370Ser change remains unknown at this time.

PreventionGenetics, part of Exact Sciences
Classification: Uncertain significance for TERT-related condition. Last evaluated: 2024-01-23. Review status: no assertion criteria provided. Collection method: clinical testing. Allele origin: germline. Not counted in ClinVar's aggregate classification.
Comment: The TERT c.1108C>T variant is predicted to result in the amino acid substitution p.Pro370Ser. This variant has been reported in an individual with melanoma (Tables 2 and S4, Family W, Individual 1003, Goldstein et al. 2017. PubMed ID: 29036293). This variant is reported in 0.010% of alleles in individuals of European (Non-Finnish) descent in gnomAD. It is interpreted as uncertain significance in ClinVar. At this time, the clinical significance of this variant is uncertain due to the absence of conclusive functional and genetic evidence.

Literature cited by the submitters: PubMed 29036293 (cited by Labcorp Genetics (formerly Invitae), Labcorp).

NM_198253.3(TERT):c.1108C>T (p.Pro370Ser)

Gene: TERT (telomerase reverse transcriptase; minus strand). Cytogenetic location: 5p15.33.
Variant type: single nucleotide variant.
Coding change: c.1108C>T on transcript NM_198253.3 (MANE Select); coding-DNA position 1108, C replaced by T.
Protein change: p.Pro370Ser; replaces proline 370 with serine.
Molecular consequence: missense variant. On other transcripts: non-coding transcript variant (2).
Genome position (GRCh38, 1-based): chr5:1,293,778, G>A on the plus strand (C>T on the coding strand, the complement: TERT is on the minus strand). VCF-style: chr5-1293778-G-A. GRCh37 (hg19) VCF-style: chr5-1293893-G-A.
Other names: c.1108C>T, p.Pro370Ser (NM_001193376.3); short protein forms P370S.
Identifiers: ClinVar variation 410678 (VCV000410678.20), dbSNP rs143148040, ClinGen allele CA3184876.
Genomic context (GRCh38, chr5:1,293,778, plus strand): 5'-GCATTTGCCAGTAGCGCTGGGGCAGGCGGGGCAACCTGCGGGGAGTCCCTGGCATCCAGG[G>A]CCTGGAACCCAGAAAGATGGTCTCCACGAGCCTCCGAGCGCCAGTCAGGCTGGGCCTCAG-3'
Protein context (NP_937983.2, residues 360-380): LVETIFLGSR[Pro370Ser]WMPGTPRRLP